The following is an entry in ClinVar:

NM_000330.4(RS1):c.182C>T (p.Pro61Leu)

Gene: RS1 (retinoschisin 1; minus strand). Cytogenetic location: Xp22.13.
Variant type: single nucleotide variant.
Coding change: c.182C>T on transcript NM_000330.4 (MANE Select); coding-DNA position 182, C replaced by T.
Protein change: p.Pro61Leu; replaces proline 61 with leucine.
Molecular consequence: missense variant.
Genome position (GRCh38, 1-based): chrX:18,656,655, G>A on the plus strand (C>T on the coding strand, the complement: RS1 is on the minus strand). VCF-style: chrX-18656655-G-A. GRCh37 (hg19) VCF-style: chrX-18674775-G-A.
Other names: short protein forms P61L.
Identifiers: ClinVar variation 3609474 (VCV003609474.3).
Genomic context (GRCh38, chrX:18,656,655, plus strand): 5'-GGAAGAGAAATGGGGTGTTCCCAATGACTGTTCCATCCCAAGGACAGGGGATACTCACCT[G>A]GTATACAGTCCAAGGAGGTGGCACCTGCAGACCACAGAGCATTGGGTCCTCCTTGGCAAT-3'
Protein context (NP_000321.1, residues 51-71): SAGATSLDCI[Pro61Leu]ECPYHKPLGF

ClinVar aggregate classification (germline): Uncertain significance (1 of 4 stars; one submission).

Submissions (2):

Labcorp Genetics (formerly Invitae), Labcorp
Classification: Uncertain significance. Last evaluated: 2024-10-25. Review status: criteria provided, single submitter. Criteria: Invitae Variant Classification Sherloc (09022015). Collection method: clinical testing. Allele origin: germline.
Comment: This sequence change replaces proline, which is neutral and non-polar, with leucine, which is neutral and non-polar, at codon 61 of the RS1 protein (p.Pro61Leu). The frequency data for this variant in the population databases is considered unreliable, as metrics indicate poor data quality at this position in the gnomAD database. This variant has not been reported in the literature in individuals affected with RS1-related conditions. An algorithm developed to predict the effect of missense changes on protein structure and function (PolyPhen-2) suggests that this variant is likely to be disruptive. In summary, the available evidence is currently insufficient to determine the role of this variant in disease. Therefore, it has been classified as a Variant of Uncertain Significance.

Dr. Peter K. Rogan Lab, Western University
No classification provided (evidence only). Condition: Thyroid cancer, nonmedullary, 1. Review status: no classification provided. Collection method: in vitro. Allele origin: not applicable. Functional consequence: retained intron. Not counted in ClinVar's aggregate classification.